The following is an entry in ClinVar:

ClinVar aggregate classification (germline): Likely benign (0 of 4 stars; one submission).

Conditions:
KANK2-related disorder. Also called: KANK2-related condition.

Submission:

PreventionGenetics, part of Exact Sciences
Classification: Likely benign for KANK2-related condition. Last evaluated: 2019-07-03. Review status: no assertion criteria provided. Collection method: clinical testing. Allele origin: germline.
Comment: This variant is classified as likely benign based on ACMG/AMP sequence variant interpretation guidelines (Richards et al. 2015 PMID: 25741868, with internal and published modifications).

NM_001136191.3(KANK2):c.2503-9_2503-8del

Gene: KANK2 (KN motif and ankyrin repeat domains 2; minus strand). Cytogenetic location: 19p13.2.
Variant type: Microsatellite.
Coding change: c.2503-9_2503-8del on transcript NM_001136191.3 (MANE Select); 9 bases into the intron before coding-DNA position 2503 through 8 bases into the intron before coding-DNA position 2503, 2 bases deleted (CT; older notation c.2503-9_2503-8delCT).
Molecular consequence: intron variant.
Genome position (GRCh38, 1-based): chr19:11,166,619-11,166,620, AG deleted on the plus strand (CT on the coding strand, the reverse complement: KANK2 is on the minus strand); deleting any 2 consecutive bases within chr19:11,166,619-11,166,623 gives the same sequence; the c. name uses the placement nearest the transcript's 3' end. VCF-style (leftmost placement, unchanged base first): chr19-11166618-CAG-C. GRCh37 (hg19) VCF-style: chr19-11277294-CAG-C.
Other names: c.2527-9_2527-8del (NM_001379552.1, NM_001379553.1, NM_001379554.1 and 5 more transcripts); c.2503-9_2503-8del (NM_001379562.1, NM_001379563.1, NM_001329451.2 and 7 more transcripts).
Identifiers: ClinVar variation 3043500 (VCV003043500.2), dbSNP rs760464833, ClinGen allele CA9205216.